The following is an entry in ClinVar:

NM_002796.3(PSMB4):c.464T>C (p.Met155Thr)

Gene: PSMB4 (proteasome 20S subunit beta 4; plus strand). Cytogenetic location: 1q21.3.
Variant type: single nucleotide variant.
Coding change: c.464T>C on transcript NM_002796.3 (MANE Select); coding-DNA position 464, T replaced by C.
Protein change: p.Met155Thr; replaces methionine 155 with threonine.
Molecular consequence: missense variant.
Genome position (GRCh38, 1-based): chr1:151,400,558, T>C. VCF-style: chr1-151400558-T-C. GRCh37 (hg19) VCF-style: chr1-151373034-T-C.
Other names: short protein forms M155T.
Identifiers: ClinVar variation 3623414 (VCV003623414.2).
Genomic context (GRCh38, chr1:151,400,558, plus strand): 5'-CATGGCTGACCAGGGCCATGTACAGCCGGCGCTCGAAGATGAACCCTTTGTGGAACACCA[T>C]GGTCATCGGAGGCTATGCTGATGGAGAGAGGTTCATATGAATACAAATAACTTATTTCCT-3'
Protein context (NP_002787.2, residues 145-165): RSKMNPLWNT[Met155Thr]VIGGYADGES

ClinVar aggregate classification (germline): Uncertain significance (1 of 4 stars; one submission).

Submission:

Labcorp Genetics (formerly Invitae), Labcorp
Classification: Uncertain significance. Last evaluated: 2024-07-02. Review status: criteria provided, single submitter. Criteria: Invitae Variant Classification Sherloc (09022015). Collection method: clinical testing. Allele origin: germline.
Comment: This sequence change replaces methionine, which is neutral and non-polar, with threonine, which is neutral and polar, at codon 155 of the PSMB4 protein (p.Met155Thr). This variant is not present in population databases (gnomAD no frequency). This variant has not been reported in the literature in individuals affected with PSMB4-related conditions. An algorithm developed to predict the effect of missense changes on protein structure and function (PolyPhen-2) suggests that this variant is likely to be tolerated. In summary, the available evidence is currently insufficient to determine the role of this variant in disease. Therefore, it has been classified as a Variant of Uncertain Significance.